The following is an entry in ClinVar:

NM_052947.4(ALPK2):c.4066T>A (p.Ser1356Thr)

Genes: ALPK2 (alpha kinase 2; minus strand), LOC126862764 (BRD4-independent group 4 enhancer GRCh37_chr18:56202574-56203773; plus strand). Cytogenetic location: 18q21.31.
Variant type: single nucleotide variant.
Coding change: c.4066T>A on transcript NM_052947.4 (MANE Select); coding-DNA position 4066, T replaced by A.
Protein change: p.Ser1356Thr; replaces serine 1356 with threonine.
Molecular consequence: missense variant.
Genome position (GRCh38, 1-based): chr18:58,536,121, A>T on the plus strand (T>A on the coding strand, the complement: ALPK2 is on the minus strand). VCF-style: chr18-58536121-A-T. GRCh37 (hg19) VCF-style: chr18-56203353-A-T.
Other names: short protein forms S1356T.
Identifiers: ClinVar variation 3228719 (VCV003228719.1), dbSNP rs2518875507, ClinGen allele CA402564543.

ClinVar aggregate classification (germline): Uncertain significance (1 of 4 stars; one submission).

Allele frequency attached by ClinVar (database versions not stated): gnomAD exomes below 0.00001.
gnomAD v4.1: 1 of 1,614,150 alleles (0.000062%); highest among the groups gnomAD compares: South Asian, 0.0011%; no homozygotes.

Submission:

Ambry Genetics
Classification: Uncertain significance. Last evaluated: 2023-12-08. Review status: criteria provided, single submitter. Criteria: Ambry Variant Classification Scheme 2023. Collection method: clinical testing. Allele origin: germline.
Comment: The p.S1356T variant (also known as c.4066T>A), located in coding exon 4 of the ALPK2 gene, results from a T to A substitution at nucleotide position 4066. The serine at codon 1356 is replaced by threonine, an amino acid with similar properties. This amino acid position is conserved. In addition, this alteration is predicted to be tolerated by in silico analysis. Since supporting evidence is limited at this time, the clinical significance of this alteration remains unclear.